The following is an entry in ClinVar:

NM_000384.3(APOB):c.10157G>A (p.Arg3386Lys)

Gene: APOB (apolipoprotein B; minus strand). Cytogenetic location: 2p24.1.
Variant type: single nucleotide variant.
Coding change: c.10157G>A on transcript NM_000384.3 (MANE Select); coding-DNA position 10157, G replaced by A.
Protein change: p.Arg3386Lys; replaces arginine 3386 with lysine.
Molecular consequence: missense variant.
Genome position (GRCh38, 1-based): chr2:21,006,711, C>T on the plus strand (G>A on the coding strand, the complement: APOB is on the minus strand). VCF-style: chr2-21006711-C-T. GRCh37 (hg19) VCF-style: chr2-21229583-C-T.
Other names: short protein forms R3386K.
Identifiers: ClinVar variation 1408656 (VCV001408656.6), dbSNP rs2103352187, ClinGen allele CA345987289.

ClinVar aggregate classification (germline): Uncertain significance (1 of 4 stars; one submission).

Conditions:
Familial hypobetalipoproteinemia 1. Also called: APOB-Related Familial Hypobetalipoproteinemia; Hypobetalipoproteinemia, normotriglyceridemic; Acanthocytosis with hypobetalipoproteinemia. Identifiers: MedGen C4551990, MONDO:0014252, OMIM 615558.
Hypercholesterolemia, autosomal dominant, type B (FHCL2). Also called: Familial Hypercholesterolemia Type B; APOLIPOPROTEIN B-100, FAMILIAL DEFECTIVE; APOLIPOPROTEIN B-100, FAMILIAL LIGAND-DEFECTIVE; HYPERCHOLESTEROLEMIA, FAMILIAL, DUE TO LIGAND-DEFECTIVE APOLIPOPROTEIN B; APOB-Related Familial Hypercholesterolemia, Autosomal Dominant; Familial hypercholesterolemia 2. Identifiers: MedGen C1704417, MONDO:0007751, OMIM 144010.

Submission:

Labcorp Genetics (formerly Invitae), Labcorp
Classification: Uncertain significance for Familial hypobetalipoproteinemia 1; Hypercholesterolemia, autosomal dominant, type B. Last evaluated: 2021-08-02. Review status: criteria provided, single submitter. Criteria: Invitae Variant Classification Sherloc (09022015). Collection method: clinical testing. Allele origin: germline.
Comment: This sequence change replaces arginine with lysine at codon 3386 of the APOB protein (p.Arg3386Lys). The arginine residue is weakly conserved and there is a small physicochemical difference between arginine and lysine. This variant is not present in population databases (ExAC no frequency). This variant has not been reported in the literature in individuals affected with APOB-related conditions. Algorithms developed to predict the effect of missense changes on protein structure and function (SIFT, PolyPhen-2, Align-GVGD) all suggest that this variant is likely to be tolerated. In summary, the available evidence is currently insufficient to determine the role of this variant in disease. Therefore, it has been classified as a Variant of Uncertain Significance.